The following is an entry in ClinVar:

ClinVar aggregate classification (germline): Uncertain significance (1 of 4 stars; one submission).

Conditions:
Combined immunodeficiency due to LRBA deficiency. Also called: Common variable immunodeficiency 8, with autoimmunity. Identifiers: Orphanet 445018, MedGen C3553512, MONDO:0013863, OMIM 614700.

gnomAD v4.1: 2 of 1,609,914 alleles (0.00012%); highest among the groups gnomAD compares: Non-Finnish European, 0.00017%; no homozygotes.

Submission:

Labcorp Genetics (formerly Invitae), Labcorp
Classification: Uncertain significance for Combined immunodeficiency due to LRBA deficiency. Last evaluated: 2022-02-08. Review status: criteria provided, single submitter. Criteria: Invitae Variant Classification Sherloc (09022015). Collection method: clinical testing. Allele origin: germline.
Comment: This sequence change replaces tyrosine, which is neutral and polar, with serine, which is neutral and polar, at codon 591 of the LRBA protein (p.Tyr591Ser). This variant is not present in population databases (gnomAD no frequency). This variant has not been reported in the literature in individuals affected with LRBA-related conditions. ClinVar contains an entry for this variant (Variation ID: 1037428). Algorithms developed to predict the effect of missense changes on protein structure and function are either unavailable or do not agree on the potential impact of this missense change (SIFT: "Deleterious"; PolyPhen-2: "Probably Damaging"; Align-GVGD: "Class C0"). In summary, the available evidence is currently insufficient to determine the role of this variant in disease. Therefore, it has been classified as a Variant of Uncertain Significance.

NM_001364905.1(LRBA):c.1772A>C (p.Tyr591Ser)

Gene: LRBA (LPS responsive beige-like anchor protein; minus strand). Cytogenetic location: 4q31.3.
Variant type: single nucleotide variant.
Coding change: c.1772A>C on transcript NM_001364905.1 (MANE Select); coding-DNA position 1772, A replaced by C.
Protein change: p.Tyr591Ser; replaces tyrosine 591 with serine.
Molecular consequence: missense variant.
Genome position (GRCh38, 1-based): chr4:150,900,201, T>G on the plus strand (A>C on the coding strand, the complement: LRBA is on the minus strand). VCF-style: chr4-150900201-T-G. GRCh37 (hg19) VCF-style: chr4-151821353-T-G.
Other names: c.1772A>C, p.Tyr591Ser (NM_001199282.3, NM_001367550.1, NM_006726.5); short protein forms Y591S.
Identifiers: ClinVar variation 1037428 (VCV001037428.6), dbSNP rs1321650166, ClinGen allele CA358430336.